The following is an entry in ClinVar:

NM_020745.4(AARS2):c.367C>T (p.Arg123Ter)

Gene: AARS2 (alanyl-tRNA synthetase 2, mitochondrial; minus strand). Cytogenetic location: 6p21.1.
Variant type: single nucleotide variant.
Coding change: c.367C>T on transcript NM_020745.4 (MANE Select); coding-DNA position 367, C replaced by T.
Protein change: p.Arg123Ter; replaces arginine 123 with a stop codon.
Molecular consequence: nonsense.
Genome position (GRCh38, 1-based): chr6:44,312,140, G>A on the plus strand (C>T on the coding strand, the complement: AARS2 is on the minus strand). VCF-style: chr6-44312140-G-A. GRCh37 (hg19) VCF-style: chr6-44279877-G-A.
Other names: short protein forms R123*.
Identifiers: ClinVar variation 1918304 (VCV001918304.5), dbSNP rs200450941, ClinGen allele CA364341613.
Genomic context (GRCh38, chr6:44,312,140, plus strand): 5'-ATTCACCCCCAAAGGCCCAATTGCCAAGCATTTCAAAGAAGGTATGATGGGAAAGGTCTC[G>A]ACCCACATCTTCCAGGTCGTTATGGTGTCCTCCAGCTCTCACACATTTCTGGCTGTTGGC-3'

ClinVar aggregate classification (germline): Pathogenic (1 of 4 stars; one submission).

Allele frequency attached by ClinVar (database versions not stated): TOPMed 0.00001.
gnomAD v4.1: 7 of 1,614,072 alleles (0.00043%); highest among the groups gnomAD compares: Admixed American, 0.0033%; no homozygotes.

Submission:

Labcorp Genetics (formerly Invitae), Labcorp
Classification: Pathogenic. Last evaluated: 2025-05-22. Review status: criteria provided, single submitter. Criteria: Invitae Variant Classification Sherloc (09022015). Collection method: clinical testing. Allele origin: germline.
Comment: This sequence change creates a premature translational stop signal (p.Arg123*) in the AARS2 gene. It is expected to result in an absent or disrupted protein product. Loss-of-function variants in AARS2 are known to be pathogenic (PMID: 24808023, 30285085, 30819764). This variant is present in population databases (no rsID available, gnomAD 0.006%). This variant has not been reported in the literature in individuals affected with AARS2-related conditions. ClinVar contains an entry for this variant (Variation ID: 1918304). Algorithms developed to predict the effect of sequence changes on RNA splicing suggest that this variant may disrupt the consensus splice site. For these reasons, this variant has been classified as Pathogenic.

Literature cited by the submitters: PubMed 24808023; PubMed 30285085; PubMed 30819764.